The following is an entry in ClinVar:

NM_004153.4(ORC1):c.1671C>T (p.Ala557=)

Gene: ORC1 (origin recognition complex subunit 1; minus strand). Cytogenetic location: 1p32.3.
Variant type: single nucleotide variant.
Coding change: c.1671C>T on transcript NM_004153.4 (MANE Select); coding-DNA position 1671, C replaced by T.
Protein change: p.Ala557=; no amino-acid change (alanine 557 retained).
Molecular consequence: synonymous variant.
Genome position (GRCh38, 1-based): chr1:52,384,634, G>A on the plus strand (C>T on the coding strand, the complement: ORC1 is on the minus strand). VCF-style: chr1-52384634-G-A. GRCh37 (hg19) VCF-style: chr1-52850306-G-A.
Other names: c.1671C>T, p.Ala557= (NM_001190818.2); c.1656C>T, p.Ala552= (NM_001190819.2).
Identifiers: ClinVar variation 297581 (VCV000297581.40), dbSNP rs61756137, ClinGen allele CA853246.
Genomic context (GRCh38, chr1:52,384,634, plus strand): 5'-GTGGGGCTCCGTCAGCTTCATGCCATTGACCTCAATGTATTGAAAGGGAGGAACATCATT[G>A]GCTTGGGCTGCCTGCTGCAGGCAGCGTATCACTTCATGAACAGTGGCAGTCTTCCCTGTC-3'
Protein context (NP_004144.2, residues 547-567): VIRCLQQAAQ[Ala557=]NDVPPFQYIE

ClinVar aggregate classification (germline): Conflicting classifications of pathogenicity. Review status: criteria provided, conflicting classifications (1 of 4 stars). 4 submissions from 4 submitters: Uncertain significance (1); Likely benign (3). Last evaluated 2026-06-01.

Conditions:
Meier-Gorlin syndrome 1 (MGORS1). Also called: EAR, PATELLA, SHORT STATURE SYNDROME. Identifiers: Orphanet 2554, MedGen C4552001, MONDO:0009143, OMIM 224690.

Allele frequency attached by ClinVar (database versions not stated): 1000 Genomes Project 0.00020; 1000 Genomes Project 30x 0.00031; ESP Exome Variant Server 0.00054; TOPMed 0.00062; gnomAD exomes 0.00070; ExAC 0.00078; gnomAD 0.00089 and 0.00097.
gnomAD v4.1: 1,122 of 1,613,966 alleles (0.07%); highest among the groups gnomAD compares: Non-Finnish European, 0.083%; no homozygotes.

Submissions (4):

CeGaT Center for Human Genetics Tuebingen
Classification: Likely benign. Last evaluated: 2026-06-01. Review status: criteria provided, single submitter. Criteria: CeGaT Center For Human Genetics Tuebingen Variant Classification Criteria Version 2. Collection method: clinical testing. Allele origin: germline. Affected: yes. Observed: 3 variant alleles.
Comment: ORC1: BP4, BP7

Labcorp Genetics (formerly Invitae), Labcorp
Classification: Likely benign. Last evaluated: 2026-01-25. Review status: criteria provided, single submitter. Criteria: Invitae Variant Classification Sherloc (09022015). Collection method: clinical testing. Allele origin: germline.

Blueprint Genetics
Classification: Likely benign. Last evaluated: 2024-11-17. Review status: criteria provided, single submitter. Criteria: ACMG Guidelines, 2015. Collection method: clinical testing. Allele origin: germline.

Illumina Laboratory Services, Illumina
Classification: Uncertain significance for Meier-Gorlin syndrome 1. Last evaluated: 2018-01-13. Review status: criteria provided, single submitter. Criteria: ICSL Variant Classification Criteria 13 December 2019. Collection method: clinical testing. Allele origin: germline.